The following is an entry in ClinVar:

ClinVar aggregate classification (germline): Uncertain significance (1 of 4 stars; one submission).

Conditions:
Hereditary cancer-predisposing syndrome. Also called: Hereditary Cancer Syndrome; Hereditary neoplastic syndrome; Neoplastic Syndromes, Hereditary; Tumor predisposition. Identifiers: Orphanet 140162, MedGen C0027672, MeSH D009386, MONDO:0015356.

Submission:

Ambry Genetics
Classification: Uncertain significance for Hereditary cancer-predisposing syndrome. Last evaluated: 2022-03-11. Review status: criteria provided, single submitter. Criteria: Ambry Variant Classification Scheme 2023. Collection method: clinical testing. Allele origin: germline.
Comment: The p.V344L variant (also known as c.1030G>T), located in coding exon 7 of the MSH3 gene, results from a G to T substitution at nucleotide position 1030. The valine at codon 344 is replaced by leucine, an amino acid with highly similar properties. This amino acid position is conserved. In addition, the in silico prediction for this alteration is inconclusive. Since supporting evidence is limited at this time, the clinical significance of this alteration remains unclear.

NM_002439.5(MSH3):c.1030G>T (p.Val344Leu)

Gene: MSH3 (mutS homolog 3; plus strand). Cytogenetic location: 5q14.1.
Variant type: single nucleotide variant.
Coding change: c.1030G>T on transcript NM_002439.5 (MANE Select); coding-DNA position 1030, G replaced by T.
Protein change: p.Val344Leu; replaces valine 344 with leucine.
Molecular consequence: missense variant.
Genome position (GRCh38, 1-based): chr5:80,674,985, G>T. VCF-style: chr5-80674985-G-T. GRCh37 (hg19) VCF-style: chr5-79970804-G-T.
Other names: short protein forms V344L.
Identifiers: ClinVar variation 1771106 (VCV001771106.2), dbSNP rs1211104824, ClinGen allele CA360267821.